The following is an entry in ClinVar:

ClinVar aggregate classification (germline): Likely pathogenic (1 of 4 stars; one submission).

Conditions:
Retinitis pigmentosa 3. Also called: CHOROIDORETINAL DEGENERATION WITH RETINAL REFLEX IN HETEROZYGOUS WOMEN. Identifiers: Orphanet 791, MedGen C1845667, MONDO:0010227, OMIM 300029.

Submission:

3billion
Classification: Likely pathogenic for Retinitis pigmentosa 3. Last evaluated: 2025-07-08. Review status: criteria provided, single submitter. Criteria: ACMG Guidelines, 2015. Collection method: clinical testing. Allele origin: germline. Affected: yes.
Comment: The variant is not observed in the gnomAD v4.1.0 dataset. Predicted Consequence/Location: Frameshift: predicted to result in a loss or disruption of normal protein function through nonsense-mediated decay (NMD) or protein truncation. Multiple pathogenic variants are reported downstream of the variant. Therefore, this variant is classified as Likely pathogenic according to the recommendation of ACMG/AMP guideline.

NM_001034853.2(RPGR):c.635_636del (p.Tyr212fs)

Gene: RPGR (retinitis pigmentosa GTPase regulator; minus strand). Cytogenetic location: Xp11.4.
Variant type: Microsatellite.
Coding change: c.635_636del on transcript NM_001034853.2 (MANE Select); coding-DNA positions 635 to 636, 2 bases deleted (AT; older notation c.635_636delAT).
Protein change: p.Tyr212fs; shifts the reading frame from tyrosine 212.
Molecular consequence: frameshift variant. On other transcripts: non-coding transcript variant (6).
Genome position (GRCh38, 1-based): chrX:38,310,757-38,310,758, AT deleted on the plus strand (AT on the coding strand, the reverse complement: RPGR is on the minus strand); deleting any 2 consecutive bases within chrX:38,310,757-38,310,761 gives the same sequence; the c. name uses the placement nearest the transcript's 3' end. VCF-style (leftmost placement, unchanged base first): chrX-38310756-CAT-C. GRCh37 (hg19) VCF-style: chrX-38170009-CAT-C.
Other names: c.635_636del, p.Tyr212fs (NM_000328.3, NM_001367246.1, NM_001367247.1 and 1 more transcripts); c.632_633del, p.Tyr211fs (NM_001367245.1, NM_001367249.1, NM_001367250.1); c.665_666del, p.Tyr222fs (NM_001367248.1); short protein forms Y211fs, Y212fs, Y222fs.
Identifiers: ClinVar variation 4854642 (VCV004854642.1).
Genomic context (GRCh38, chrX:38,310,756, plus strand): 5'-TGTGATTGCCCAGGAGCTGATTGGGAAGACCTAACTTCCCATTCTCAGGTTCTCCAAACA[CAT>C]ATAGCTCACCATCTGCTATTGAAGGAAAAGTATAGTGATTAGTGATGACATACATATGAA-3'